The following is an entry in ClinVar:

ClinVar aggregate classification (germline): Uncertain significance (1 of 4 stars; one submission).

Submission:

Labcorp Genetics (formerly Invitae), Labcorp
Classification: Uncertain significance. Last evaluated: 2023-09-20. Review status: criteria provided, single submitter. Criteria: Invitae Variant Classification Sherloc (09022015). Collection method: clinical testing. Allele origin: germline.
Comment: This variant, c.1603_1605del, results in the deletion of 1 amino acid(s) of the ROR2 protein (p.Asn535del), but otherwise preserves the integrity of the reading frame. This variant is present in population databases (rs768794748, gnomAD 0.007%). This variant has not been reported in the literature in individuals affected with ROR2-related conditions. In summary, the available evidence is currently insufficient to determine the role of this variant in disease. Therefore, it has been classified as a Variant of Uncertain Significance. Experimental studies and prediction algorithms are not available or were not evaluated, and the functional significance of this variant is currently unknown.

NM_004560.4(ROR2):c.1603_1605del (p.Asn535del)

Gene: ROR2 (receptor tyrosine kinase like orphan receptor 2; minus strand). Cytogenetic location: 9q22.31.
Variant type: Deletion.
Coding change: c.1603_1605del on transcript NM_004560.4 (MANE Select); coding-DNA positions 1603 to 1605, 3 bases deleted (AAC; older notation c.1603_1605delAAC).
Protein change: p.Asn535del; deletes asparagine 535.
Molecular consequence: inframe deletion.
Genome position (GRCh38, 1-based): chr9:91,724,889-91,724,891, GTT deleted on the plus strand (AAC on the coding strand, the reverse complement: ROR2 is on the minus strand); deleting any 3 consecutive bases within chr9:91,724,889-91,724,892 gives the same sequence; the c. name uses the placement nearest the transcript's 3' end. VCF-style (leftmost placement, unchanged base first): chr9-91724888-CGTT-C. GRCh37 (hg19) VCF-style: chr9-94487170-CGTT-C.
Other names: short protein forms N535del.
Identifiers: ClinVar variation 2754697 (VCV002754697.3), dbSNP rs768794748, ClinGen allele CA5120633.